The following is an entry in ClinVar:

NM_002972.4(SBF1):c.1055C>T (p.Pro352Leu)

Gene: SBF1 (SET binding factor 1; minus strand). Cytogenetic location: 22q13.33.
Variant type: single nucleotide variant.
Coding change: c.1055C>T on transcript NM_002972.4 (MANE Select); coding-DNA position 1055, C replaced by T.
Protein change: p.Pro352Leu; replaces proline 352 with leucine.
Molecular consequence: missense variant.
Genome position (GRCh38, 1-based): chr22:50,465,797, G>A on the plus strand (C>T on the coding strand, the complement: SBF1 is on the minus strand). VCF-style: chr22-50465797-G-A. GRCh37 (hg19) VCF-style: chr22-50904226-G-A.
Other names: c.1055C>T (NM_002972.2); c.1058C>T, p.Pro353Leu (NM_001365819.1); short protein forms P352L, P353L.
Identifiers: ClinVar variation 1438377 (VCV001438377.23), dbSNP rs370145179, ClinGen allele CA10317857.

ClinVar aggregate classification (germline): Uncertain significance. Review status: criteria provided, multiple submitters, no conflicts (2 of 4 stars). 6 submissions from 6 submitters: Uncertain significance (6). Last evaluated 2025-05-22.

Allele frequency attached by ClinVar (database versions not stated): ExAC 0.00008; gnomAD exomes 0.00008 and 0.00013; gnomAD 0.00009; TOPMed 0.00010; ESP Exome Variant Server 0.00040.
gnomAD v4.1: 208 of 1,610,936 alleles (0.013%); highest among the groups gnomAD compares: Middle Eastern, 0.018%; no homozygotes.

Submissions (6):

GeneDx
Classification: Uncertain significance. Last evaluated: 2025-05-22. Review status: criteria provided, single submitter. Criteria: GeneDx Variant Classification Process June 2021. Collection method: clinical testing. Allele origin: germline. Affected: yes.
Comment: In silico analysis supports that this missense variant has a deleterious effect on protein structure/function; Has not been previously published as pathogenic or benign to our knowledge

Ambry Genetics
Classification: Uncertain significance. Last evaluated: 2025-03-06. Review status: criteria provided, single submitter. Criteria: Ambry Variant Classification Scheme 2023. Collection method: clinical testing. Allele origin: germline.

CeGaT Center for Human Genetics Tuebingen
Classification: Uncertain significance. Last evaluated: 2025-02-01. Review status: criteria provided, single submitter. Criteria: CeGaT Center For Human Genetics Tuebingen Variant Classification Criteria Version 2. Collection method: clinical testing. Allele origin: germline. Affected: yes. Observed: 1 variant allele.
Comment: SBF1: PM2

Women's Health and Genetics/Laboratory Corporation of America, LabCorp
Classification: Uncertain significance. Last evaluated: 2025-01-14. Review status: criteria provided, single submitter. Criteria: LabCorp Variant Classification Summary - May 2015. Collection method: clinical testing. Allele origin: germline.
Comment: Variant summary: SBF1 c.1055C>T (p.Pro352Leu) results in a non-conservative amino acid change located in the Tripartite DENN domain of the encoded protein sequence. Four of five in-silico tools predict a damaging effect of the variant on protein function. The variant allele was found at a frequency of 7.8e-05 in 243182 control chromosomes. This frequency is not significantly higher than estimated for a pathogenic variant in SBF1 causing Charcot-Marie-Tooth disease type 4B3 (7.8e-05 vs 0.0011), allowing no conclusion about variant significance. To our knowledge, no occurrence of c.1055C>T in individuals affected with Charcot-Marie-Tooth disease type 4B3 and no experimental evidence demonstrating its impact on protein function have been reported. ClinVar contains an entry for this variant (Variation ID: 1438377). Based on the evidence outlined above, the variant was classified as uncertain significance.

Blueprint Genetics
Classification: Uncertain significance. Last evaluated: 2024-10-08. Review status: criteria provided, single submitter. Criteria: ACMG Guidelines, 2015. Collection method: clinical testing. Allele origin: germline.

Labcorp Genetics (formerly Invitae), Labcorp
Classification: Uncertain significance. Last evaluated: 2022-04-22. Review status: criteria provided, single submitter. Criteria: Invitae Variant Classification Sherloc (09022015). Collection method: clinical testing. Allele origin: germline.
Comment: This sequence change replaces proline, which is neutral and non-polar, with leucine, which is neutral and non-polar, at codon 352 of the SBF1 protein (p.Pro352Leu). This variant is present in population databases (rs370145179, gnomAD 0.01%). This variant has not been reported in the literature in individuals affected with SBF1-related conditions. Algorithms developed to predict the effect of missense changes on protein structure and function are either unavailable or do not agree on the potential impact of this missense change (SIFT: "Tolerated"; PolyPhen-2: "Probably Damaging"; Align-GVGD: "Class C0"). In summary, the available evidence is currently insufficient to determine the role of this variant in disease. Therefore, it has been classified as a Variant of Uncertain Significance.